The following is an entry in ClinVar:

ClinVar aggregate classification (germline): Likely pathogenic (1 of 4 stars; one submission).

Conditions:
Osteogenesis imperfecta type III (OI3). Also called: Osteogenesis imperfecta type 3; OI type 3; Osteogenesis imperfecta, progressively deforming with normal sclerae; OI type III; Progressively Deforming Osteogenesis Imperfecta. Identifiers: Orphanet 216812, Orphanet 666, MedGen C0268362, MONDO:0009804, OMIM 259420.

Submission:

Clinical Biomedical Laboratory, Shriners Hospital For Children - Canada
Classification: Likely pathogenic for Osteogenesis imperfecta type III. Last evaluated: 2026-03-10. Review status: criteria provided, single submitter. Criteria: ACMG Guidelines, 2015. Collection method: clinical testing. Allele origin: germline. Affected: yes.
Comment: This variant is predicted to substitute a glutamic acid residue by a valine residue and introduce a premature termination codon 11 amino acids downstream causing nonsense mediated decay. This variant is absent from the Genome Aggregation Database v2.1.1. Biallelic loss of function variants in PPIB are associated with severe osteogenesis imperfecta (PMID: 19781681), which corresponds to the clinical phenotype of the proband. Based on the ACMG variant interpretation guidelines, the available evidence supports classification of this variant as pathogenic.

Literature cited by the submitters: PubMed 19781681.

NM_000942.5(PPIB):c.358_359dup (p.Glu121fs)

Genes: PPIB (peptidylprolyl isomerase B; minus strand), SNX22 (sorting nexin 22; plus strand). Cytogenetic location: 15q22.31.
Variant type: Duplication.
Coding change: c.358_359dup on transcript NM_000942.5 (MANE Select); coding-DNA positions 358 to 359, 2 bases duplicated (GG; older notation c.358_359dupGG).
Protein change: p.Glu121fs; shifts the reading frame from glutamic acid 121.
Molecular consequence: frameshift variant. On other transcripts: 3 prime UTR variant (1), non-coding transcript variant (1).
Genome position (GRCh38, 1-based): chr15:64,156,894-64,156,895, CC duplicated on the plus strand (GG on the coding strand, the reverse complement: PPIB is on the minus strand). VCF-style (leftmost placement, unchanged base first): chr15-64156893-A-ACC. GRCh37 (hg19) VCF-style: chr15-64449092-A-ACC.
Other names: c.*2386_*2387dup (NM_024798.3); short protein forms E121fs.
Identifiers: ClinVar variation 4819370 (VCV004819370.1).